The following is an entry in ClinVar:

NM_001754.5(RUNX1):c.880C>T (p.Pro294Ser)

Gene: RUNX1 (RUNX family transcription factor 1; minus strand). Cytogenetic location: 21q22.12.
Variant type: single nucleotide variant.
Coding change: c.880C>T on transcript NM_001754.5 (MANE Select); coding-DNA position 880, C replaced by T.
Protein change: p.Pro294Ser; replaces proline 294 with serine.
Molecular consequence: missense variant.
Genome position (GRCh38, 1-based): chr21:34,799,388, G>A on the plus strand (C>T on the coding strand, the complement: RUNX1 is on the minus strand). VCF-style: chr21-34799388-G-A. GRCh37 (hg19) VCF-style: chr21-36171685-G-A.
Other names: c.799C>T, p.Pro267Ser (NM_001001890.3); short protein forms P294S, P267S.
Identifiers: ClinVar variation 4719217 (VCV004719217.1).

ClinVar aggregate classification (germline): Uncertain significance (1 of 4 stars; one submission).

Conditions:
Hereditary thrombocytopenia and hematological cancer predisposition syndrome associated with RUNX1. Also called: Familial Platelet Disorder with Propensity to Acute Myelogenous Leukemia; Familial thrombocytopenia with propensity to acute myelogenous leukemia; PLATELET DISORDER, ASPIRIN-LIKE; RUNX1 Familial Platelet Disorder with Associated Myeloid Malignancies. Identifiers: Orphanet 71290, MedGen C1832388, MeSH C563324, MONDO:0100083, OMIM 601399.

Submission:

Labcorp Genetics (formerly Invitae), Labcorp
Classification: Uncertain significance for Hereditary thrombocytopenia and hematological cancer predisposition syndrome associated with RUNX1. Last evaluated: 2025-08-01. Review status: criteria provided, single submitter. Criteria: Invitae Variant Classification Sherloc (09022015). Collection method: clinical testing. Allele origin: germline.
Comment: This sequence change replaces proline, which is neutral and non-polar, with serine, which is neutral and polar, at codon 294 of the RUNX1 protein (p.Pro294Ser). This variant is not present in population databases (gnomAD no frequency). This variant has not been reported in the literature in individuals affected with RUNX1-related conditions. An algorithm developed to predict the effect of missense changes on protein structure and function outputs the following: PolyPhen-2: "Benign". The serine amino acid residue is found in multiple mammalian species, which suggests that this missense change does not adversely affect protein function. In summary, the available evidence is currently insufficient to determine the role of this variant in disease. Therefore, it has been classified as a Variant of Uncertain Significance.